The following is an entry in ClinVar:

ClinVar aggregate classification (germline): Uncertain significance (1 of 4 stars; one submission).

Allele frequency attached by ClinVar (database versions not stated): gnomAD exomes below 0.00001.
gnomAD v4.1: 4 of 1,613,982 alleles (0.00025%); highest among the groups gnomAD compares: Admixed American, 0.0017%; no homozygotes.

Submission:

Labcorp Genetics (formerly Invitae), Labcorp
Classification: Uncertain significance. Last evaluated: 2025-01-06. Review status: criteria provided, single submitter. Criteria: Invitae Variant Classification Sherloc (09022015). Collection method: clinical testing. Allele origin: germline.
Comment: This sequence change replaces valine, which is neutral and non-polar, with glycine, which is neutral and non-polar, at codon 1431 of the CPLANE1 protein (p.Val1431Gly). This variant is not present in population databases (gnomAD no frequency). This variant has not been reported in the literature in individuals affected with CPLANE1-related conditions. ClinVar contains an entry for this variant (Variation ID: 2144840). Invitae Evidence Modeling of protein sequence and biophysical properties (such as structural, functional, and spatial information, amino acid conservation, physicochemical variation, residue mobility, and thermodynamic stability) indicates that this missense variant is not expected to disrupt CPLANE1 protein function with a negative predictive value of 95%. In summary, the available evidence is currently insufficient to determine the role of this variant in disease. Therefore, it has been classified as a Variant of Uncertain Significance.

NM_001384732.1(CPLANE1):c.4292T>G (p.Val1431Gly)

Genes: CPLANE1 (ciliogenesis and planar polarity effector complex subunit 1; minus strand), LOC129389274 (MPRA-validated peak5227 silencer; plus strand). Cytogenetic location: 5p13.2.
Variant type: single nucleotide variant.
Coding change: c.4292T>G on transcript NM_001384732.1 (MANE Select); coding-DNA position 4292, T replaced by G.
Protein change: p.Val1431Gly; replaces valine 1431 with glycine.
Molecular consequence: missense variant.
Genome position (GRCh38, 1-based): chr5:37,184,977, A>C on the plus strand (T>G on the coding strand, the complement: CPLANE1 is on the minus strand). VCF-style: chr5-37184977-A-C. GRCh37 (hg19) VCF-style: chr5-37185079-A-C.
Other names: c.4292T>G, p.Val1431Gly (NM_023073.4); short protein forms V1431G.
Identifiers: ClinVar variation 2144840 (VCV002144840.3), dbSNP rs924551806, ClinGen allele CA117069945.